The following is an entry in ClinVar:

NM_012463.4(ATP6V0A2):c.1118A>G (p.Asn373Ser)

Gene: ATP6V0A2 (ATPase H+ transporting V0 subunit a2; plus strand). Cytogenetic location: 12q24.31.
Variant type: single nucleotide variant.
Coding change: c.1118A>G on transcript NM_012463.4 (MANE Select); coding-DNA position 1118, A replaced by G.
Protein change: p.Asn373Ser; replaces asparagine 373 with serine.
Molecular consequence: missense variant.
Genome position (GRCh38, 1-based): chr12:123,743,864, A>G. VCF-style: chr12-123743864-A-G. GRCh37 (hg19) VCF-style: chr12-124228411-A-G.
Other names: short protein forms N373S.
Identifiers: ClinVar variation 945705 (VCV000945705.15), dbSNP rs771839087, ClinGen allele CA6861849.

ClinVar aggregate classification (germline): Conflicting classifications of pathogenicity. Review status: criteria provided, conflicting classifications (1 of 4 stars). 3 submissions from 3 submitters: Uncertain significance (2); Likely benign (1). Last evaluated 2026-01-01.

Conditions:
ALG9 congenital disorder of glycosylation (CDG1L). Also called: CONGENITAL DISORDER OF GLYCOSYLATION, TYPE Il; ALG9-CDG; CDG Il. Identifiers: Orphanet 79328, MedGen C2931006, MONDO:0012117, OMIM 608776.

Allele frequency attached by ClinVar (database versions not stated): gnomAD 0.00004; gnomAD exomes 0.00006 and 0.00013; ExAC 0.00009; TOPMed 0.00009.
gnomAD v4.1: 42 of 1,614,088 alleles (0.0026%); highest among the groups gnomAD compares: Admixed American, 0.057%; 1 homozygote.

Submissions (3):

Labcorp Genetics (formerly Invitae), Labcorp
Classification: Likely benign for ALG9 congenital disorder of glycosylation. Last evaluated: 2026-01-01. Review status: criteria provided, single submitter. Criteria: Invitae Variant Classification Sherloc (09022015). Collection method: clinical testing. Allele origin: germline.

CeGaT Center for Human Genetics Tuebingen
Classification: Uncertain significance. Last evaluated: 2025-12-01. Review status: criteria provided, single submitter. Criteria: CeGaT Center For Human Genetics Tuebingen Variant Classification Criteria Version 2. Collection method: clinical testing. Allele origin: germline. Affected: yes. Observed: 1 variant allele.

GeneDx
Classification: Uncertain significance. Last evaluated: 2023-11-06. Review status: criteria provided, single submitter. Criteria: GeneDx Variant Classification Process June 2021. Collection method: clinical testing. Allele origin: germline. Affected: yes.
Comment: In silico analysis supports that this missense variant has a deleterious effect on protein structure/function; Has not been previously published as pathogenic or benign to our knowledge